The following is an entry in ClinVar:

NM_212482.4(FN1):c.1361C>A (p.Ala454Asp)

Genes: FN1 (fibronectin 1; minus strand), LOC126806498 (CDK7 strongly-dependent group 2 enhancer GRCh37_chr2:216288045-216289244; plus strand). Cytogenetic location: 2q35.
Variant type: single nucleotide variant.
Coding change: c.1361C>A on transcript NM_212482.4 (MANE Select); coding-DNA position 1361, C replaced by A.
Protein change: p.Ala454Asp; replaces alanine 454 with aspartic acid.
Molecular consequence: missense variant.
Genome position (GRCh38, 1-based): chr2:215,423,382, G>T on the plus strand (C>A on the coding strand, the complement: FN1 is on the minus strand). VCF-style: chr2-215423382-G-T. GRCh37 (hg19) VCF-style: chr2-216288105-G-T.
Other names: c.1361C>A (NM_212482.1); c.1361C>A, p.Ala454Asp (NM_001306129.2, NM_001306130.2, NM_001306131.2 and 14 more transcripts); short protein forms A454D.
Identifiers: ClinVar variation 735608 (VCV000735608.39), dbSNP rs147802150, ClinGen allele CA2095319.

ClinVar aggregate classification (germline): Conflicting classifications of pathogenicity. Review status: criteria provided, conflicting classifications (1 of 4 stars). 7 submissions from 7 submitters: Uncertain significance (2); Benign (2); Likely benign (2). 1 of the submissions does not count toward it. Last evaluated 2025-03-22.

Conditions:
Glomerulopathy with fibronectin deposits 2 (GFND2). Identifiers: Orphanet 84090, MedGen C1866075, MONDO:0011165, OMIM 601894.
Spondylometaphyseal dysplasia - Sutcliffe type. Also called: Spondylometaphyseal Dysplasia, Corner Fracture Type; Spondylometaphyseal dysplasia, 'corner fracture' type; Sutcliffe type of spondylometaphyseal dysplasia; Sutcliffe SMD. Identifiers: Orphanet 93315, MedGen C0432221, MONDO:0008479, OMIM 184255.
FN1-related disorder. Also called: FN1-related condition.
Inborn genetic diseases. Identifiers: MedGen C0950123, MeSH D030342.

Allele frequency attached by ClinVar (database versions not stated): ESP Exome Variant Server 0.00008; gnomAD 0.00009 and 0.00010; TOPMed 0.00017; ExAC 0.00026; gnomAD exomes 0.00041.
gnomAD v4.1: 334 of 1,614,018 alleles (0.021%); highest among the groups gnomAD compares: Middle Eastern, 0.033%; no homozygotes.

Submissions (7):

Labcorp Genetics (formerly Invitae), Labcorp
Classification: Benign. Last evaluated: 2025-03-22. Review status: criteria provided, single submitter. Criteria: Invitae Variant Classification Sherloc (09022015). Collection method: clinical testing. Allele origin: germline.

Blueprint Genetics
Classification: Likely benign. Last evaluated: 2024-03-14. Review status: criteria provided, single submitter. Criteria: ACMG Guidelines, 2015. Collection method: clinical testing. Allele origin: germline.

CeGaT Center for Human Genetics Tuebingen
Classification: Uncertain significance. Last evaluated: 2023-11-01. Review status: criteria provided, single submitter. Criteria: CeGaT Center For Human Genetics Tuebingen Variant Classification Criteria Version 2. Collection method: clinical testing. Allele origin: germline. Affected: yes. Observed: 1 variant allele.

Ambry Genetics
Classification: Uncertain significance for Inborn genetic diseases. Last evaluated: 2023-01-31. Review status: criteria provided, single submitter. Criteria: Ambry Variant Classification Scheme 2023. Collection method: clinical testing. Allele origin: germline.

Department of Pathology and Laboratory Medicine, Sinai Health System
Classification: Likely benign for Spondylometaphyseal dysplasia - Sutcliffe type; Glomerulopathy with fibronectin deposits 2. Last evaluated: 2022-04-05. Review status: criteria provided, single submitter. Criteria: ACMG Guidelines, 2015. Collection method: research. Allele origin: germline.

Breakthrough Genomics
Classification: Benign. Review status: criteria provided, single submitter. Criteria: ACMG Guidelines, 2015. Collection method: not provided. Allele origin: germline. Inheritance: Autosomal dominant inheritance. Affected: yes.

PreventionGenetics, part of Exact Sciences
Classification: Likely benign for FN1-related condition. Last evaluated: 2024-08-02. Review status: no assertion criteria provided. Collection method: clinical testing. Allele origin: germline. Not counted in ClinVar's aggregate classification.
Comment: This variant is classified as likely benign based on ACMG/AMP sequence variant interpretation guidelines (Richards et al. 2015 PMID: 25741868, with internal and published modifications).